The following is an entry in ClinVar:

ClinVar aggregate classification (germline): Likely pathogenic (1 of 4 stars; one submission).

Conditions:
Developmental delay, hypotonia, musculoskeletal defects, and behavioral abnormalities. Identifiers: MedGen C5562012, MONDO:0859202, OMIM 619595.

Submission:

Variantyx, Inc.
Classification: Likely pathogenic for Developmental delay, hypotonia, musculoskeletal defects, and behavioral abnormalities. Last evaluated: 2025-11-03. Review status: criteria provided, single submitter. Criteria: Variantyx Assertion Criteria 2022. Collection method: clinical testing. Allele origin: germline. Inheritance: Autosomal dominant inheritance. Affected: yes.
Comment: This is a frameshift variant in the SRCAP gene (OMIM: 611421). Pathogenic variants in this gene have been associated with autosomal dominant developmental delay, hypotonia, musculoskeletal defects, and behavioral abnormalities. This variant introduces a premature termination codon in exon 34 out of 34 and is expected to result in loss of function, which is a known disease mechanism for SRCAP in this disorder (PMID: 33909990) (PVS1). This variant is located distal to the Floating-Harbor syndrome (FLHS) locus where pathogenic truncating variants n this region have been associated with developmental delay with mild intellectual disability and musculoskeletal issues (PMID: 33909990). This variant is absent from control populations (PM2) and it has not been reported in individuals with SRCAP-related disorders in the databases available for review. Based on the current evidence, this variant is classified as likely pathogenic for autosomal dominant developmental delay, hypotonia, musculoskeletal defects, and behavioral abnormalities.

Literature cited by the submitters: PubMed 33909990.

NM_006662.3(SRCAP):c.8726_8744dup (p.Pro2916fs)

Gene: SRCAP (Snf2 related CREBBP activator protein; plus strand). Cytogenetic location: 16p11.2.
Variant type: Duplication.
Coding change: c.8726_8744dup on transcript NM_006662.3 (MANE Select); coding-DNA positions 8726 to 8744, 19 bases duplicated (AACCACAGCTTATTCCTGG).
Protein change: p.Pro2916fs; shifts the reading frame from proline 2916.
Molecular consequence: frameshift variant.
Genome position (GRCh38, 1-based): chr16:30,738,766-30,738,784, AACCACAGCTTATTCCTGG duplicated; duplicating any 19 consecutive bases within chr16:30,738,760-30,738,784 gives the same sequence; the c. name uses the placement nearest the transcript's 3' end. VCF-style (leftmost placement, unchanged base first): chr16-30738759-G-GTCCTGGAACCACAGCTTAT. GRCh37 (hg19) VCF-style: chr16-30750080-G-GTCCTGGAACCACAGCTTAT.
Other names: short protein forms P2916fs.
Identifiers: ClinVar variation 4850042 (VCV004850042.1).